The following is an entry in ClinVar:

NM_000152.5(GAA):c.1754+1_1754+7del

Gene: GAA (alpha glucosidase; plus strand). Cytogenetic location: 17q25.3.
Variant type: Deletion.
Coding change: c.1754+1_1754+7del on transcript NM_000152.5 (MANE Select); the canonical splice donor site of the intron after coding-DNA position 1754 through 7 bases into the intron after coding-DNA position 1754, 7 bases deleted (GTGAGGG; older notation c.1754+1_1754+7delGTGAGGG).
Molecular consequence: splice donor variant.
Genome position (GRCh38, 1-based): chr17:80,112,101-80,112,107, GTGAGGG deleted; deleting any 7 consecutive bases within chr17:80,112,100-80,112,107 gives the same sequence; the c. name uses the placement nearest the transcript's 3' end. VCF-style (leftmost placement, unchanged base first): chr17-80112099-AGGTGAGG-A. GRCh37 (hg19) VCF-style: chr17-78085898-AGGTGAGG-A.
Other names: c.1754+1_1754+7del (NM_001079803.3, NM_001079804.3).
Identifiers: ClinVar variation 850890 (VCV000850890.9), dbSNP rs2039250790, ClinGen allele CA916082439.

ClinVar aggregate classification (germline): Likely pathogenic (1 of 4 stars; one submission).

Conditions:
Glycogen storage disease, type II (IOPD). Also called: CARDIOMEGALIA GLYCOGENICA DIFFUSA; Glycogen storage disease type 2; Acid maltase deficiency disease; Aglucosidase alfa; Deficiency of alpha-glucosidase; Deficiency of lysosomal alpha-glucosidase. Identifiers: Orphanet 365, MedGen C0017921, MONDO:0009290, OMIM 232300.

Submission:

Labcorp Genetics (formerly Invitae), Labcorp
Classification: Likely pathogenic for Glycogen storage disease, type II. Last evaluated: 2019-01-29. Review status: criteria provided, single submitter. Criteria: Invitae Variant Classification Sherloc (09022015). Collection method: clinical testing. Allele origin: germline.
Comment: In summary, the currently available evidence indicates that the variant is pathogenic, but additional data are needed to prove that conclusively. Therefore, this variant has been classified as Likely Pathogenic. Donor and acceptor splice site variants typically lead to a loss of protein function (PMID: 16199547), and loss-of-function variants in GAA are known to be pathogenic (PMID: 18425781, 22252923). Another variant affecting this splice site, c.1754+1G>A, has been reported in combination with a second variant in an individual with Pompe disease. This variant is not present in population databases (ExAC no frequency). This sequence change affects a donor splice site in intron 12 of the GAA gene. It is expected to disrupt RNA splicing and likely results in an absent or disrupted protein product.

Literature cited by the submitters: PubMed 16199547; PubMed 18425781; PubMed 22252923.